The following is an entry in ClinVar:

ClinVar aggregate classification (germline): Uncertain significance (1 of 4 stars; one submission).

Allele frequency attached by ClinVar (database versions not stated): gnomAD below 0.00001 and 0.00001; gnomAD exomes 0.00001 and 0.00002; ExAC 0.00002.
gnomAD v4.1: 20 of 1,613,362 alleles (0.0012%); highest among the groups gnomAD compares: South Asian, 0.021%; no homozygotes.

Submission:

Labcorp Genetics (formerly Invitae), Labcorp
Classification: Uncertain significance. Last evaluated: 2024-01-23. Review status: criteria provided, single submitter. Criteria: Invitae Variant Classification Sherloc (09022015). Collection method: clinical testing. Allele origin: germline.
Comment: This sequence change replaces aspartic acid, which is acidic and polar, with glycine, which is neutral and non-polar, at codon 1366 of the LRP5 protein (p.Asp1366Gly). This variant is present in population databases (rs748653025, gnomAD 0.02%). This variant has not been reported in the literature in individuals affected with LRP5-related conditions. ClinVar contains an entry for this variant (Variation ID: 963199). Advanced modeling of protein sequence and biophysical properties (such as structural, functional, and spatial information, amino acid conservation, physicochemical variation, residue mobility, and thermodynamic stability) has been performed at Invitae for this missense variant, however the output from this modeling did not meet the statistical confidence thresholds required to predict the impact of this variant on LRP5 protein function. In summary, the available evidence is currently insufficient to determine the role of this variant in disease. Therefore, it has been classified as a Variant of Uncertain Significance.

NM_002335.4(LRP5):c.4097A>G (p.Asp1366Gly)

Gene: LRP5 (LDL receptor related protein 5; plus strand). Cytogenetic location: 11q13.2.
Variant type: single nucleotide variant.
Coding change: c.4097A>G on transcript NM_002335.4 (MANE Select); coding-DNA position 4097, A replaced by G.
Protein change: p.Asp1366Gly; replaces aspartic acid 1366 with glycine.
Molecular consequence: missense variant.
Genome position (GRCh38, 1-based): chr11:68,436,985, A>G. VCF-style: chr11-68436985-A-G. GRCh37 (hg19) VCF-style: chr11-68204453-A-G.
Other names: c.2354A>G, p.Asp785Gly (NM_001291902.2); short protein forms D1366G, D785G.
Identifiers: ClinVar variation 963199 (VCV000963199.9), dbSNP rs748653025, ClinGen allele CA6150232.
Genomic context (GRCh38, chr11:68,436,985, plus strand): 5'-GCCAGTGTGTCCTCATCAAACAGCAGTGCGACTCCTTCCCCGACTGTATCGACGGCTCCG[A>G]CGAGCTCATGTGTGGTGAGCCAGCTTCTGGCACGGGGAAGGGGCGTCCGGGCTGGGTTCC-3'
Protein context (NP_002326.2, residues 1356-1376): DSFPDCIDGS[Asp1366Gly]ELMCEITKPP